The following is an entry in ClinVar:

NM_001013838.3(CARMIL2):c.3664G>C (p.Val1222Leu)

Gene: CARMIL2 (capping protein regulator and myosin 1 linker 2; plus strand). Cytogenetic location: 16q22.1.
Variant type: single nucleotide variant.
Coding change: c.3664G>C on transcript NM_001013838.3 (MANE Select); coding-DNA position 3664, G replaced by C.
Protein change: p.Val1222Leu; replaces valine 1222 with leucine.
Molecular consequence: missense variant.
Genome position (GRCh38, 1-based): chr16:67,654,859, G>C. VCF-style: chr16-67654859-G-C. GRCh37 (hg19) VCF-style: chr16-67688762-G-C.
Other names: c.3556G>C, p.Val1186Leu (NM_001317026.3); short protein forms V1186L, V1222L.
Identifiers: ClinVar variation 1391858 (VCV001391858.6), dbSNP rs767991741, ClinGen allele CA396345908.

ClinVar aggregate classification (germline): Uncertain significance (1 of 4 stars; one submission).

gnomAD v4.1: 2 of 1,613,712 alleles (0.00012%); highest among the groups gnomAD compares: Non-Finnish European, 0.00017%; no homozygotes.

Submission:

Labcorp Genetics (formerly Invitae), Labcorp
Classification: Uncertain significance. Last evaluated: 2022-03-07. Review status: criteria provided, single submitter. Criteria: Invitae Variant Classification Sherloc (09022015). Collection method: clinical testing. Allele origin: germline.
Comment: In summary, the available evidence is currently insufficient to determine the role of this variant in disease. Therefore, it has been classified as a Variant of Uncertain Significance. Algorithms developed to predict the effect of missense changes on protein structure and function (SIFT, PolyPhen-2, Align-GVGD) all suggest that this variant is likely to be tolerated. This variant has not been reported in the literature in individuals affected with CARMIL2-related conditions. This variant is not present in population databases (gnomAD no frequency). This sequence change replaces valine, which is neutral and non-polar, with leucine, which is neutral and non-polar, at codon 1222 of the CARMIL2 protein (p.Val1222Leu).